The following is an entry in ClinVar:

ClinVar aggregate classification (germline): Uncertain significance (1 of 4 stars; one submission).

Allele frequency attached by ClinVar (database versions not stated): TOPMed below 0.00001.

Submission:

Labcorp Genetics (formerly Invitae), Labcorp
Classification: Uncertain significance. Last evaluated: 2022-08-13. Review status: criteria provided, single submitter. Criteria: Invitae Variant Classification Sherloc (09022015). Collection method: clinical testing. Allele origin: germline.
Comment: This sequence change replaces lysine, which is basic and polar, with arginine, which is basic and polar, at codon 48 of the TARS2 protein (p.Lys48Arg). Algorithms developed to predict the effect of missense changes on protein structure and function (SIFT, PolyPhen-2, Align-GVGD) all suggest that this variant is likely to be tolerated. Algorithms developed to predict the effect of sequence changes on RNA splicing suggest that this variant may create or strengthen a splice site. In summary, the available evidence is currently insufficient to determine the role of this variant in disease. Therefore, it has been classified as a Variant of Uncertain Significance. This variant is not present in population databases (gnomAD no frequency). This variant has not been reported in the literature in individuals affected with TARS2-related conditions.

NM_025150.5(TARS2):c.143A>G (p.Lys48Arg)

Gene: TARS2 (threonyl-tRNA synthetase 2, mitochondrial; plus strand). Cytogenetic location: 1q21.2.
Variant type: single nucleotide variant.
Coding change: c.143A>G on transcript NM_025150.5 (MANE Select); coding-DNA position 143, A replaced by G.
Protein change: p.Lys48Arg; replaces lysine 48 with arginine.
Molecular consequence: missense variant. On other transcripts: non-coding transcript variant (2).
Genome position (GRCh38, 1-based): chr1:150,487,934, A>G. VCF-style: chr1-150487934-A-G. GRCh37 (hg19) VCF-style: chr1-150460410-A-G.
Other names: c.143A>G, p.Lys48Arg (NM_001271895.2, NM_001271896.2); short protein forms K48R.
Identifiers: ClinVar variation 1944091 (VCV001944091.5), dbSNP rs1669220997, ClinGen allele CA342317254.